The following is an entry in ClinVar:

ClinVar aggregate classification (germline): Uncertain significance. Review status: criteria provided, single submitter (1 of 4 stars). 2 submissions from 2 submitters: Uncertain significance (1). 1 of the submissions does not count toward it. Last evaluated 2024-11-11.

Conditions:
GLRX5-related disorder. Also called: GLRX5-related condition.

Allele frequency attached by ClinVar (database versions not stated): ExAC 0.00016; TOPMed 0.00018; gnomAD 0.00017; gnomAD exomes 0.00013.
gnomAD v4.1: 189 of 1,333,622 alleles (0.014%); highest among the groups gnomAD compares: Middle Eastern, 0.27%; 1 homozygote.

Submissions (2):

GeneDx
Classification: Uncertain significance. Last evaluated: 2024-11-11. Review status: criteria provided, single submitter. Criteria: GeneDx Variant Classification Process June 2021. Collection method: clinical testing. Allele origin: germline.
Comment: Nucleotide is not conserved across species and the substitution has no predicted effect on splicing; Has not been previously published as pathogenic or benign to our knowledge; Alters the Kozak sequence, which plays a major role in the initiation of translation

PreventionGenetics, part of Exact Sciences
Classification: Likely benign for GLRX5-related condition. Last evaluated: 2022-05-20. Review status: no assertion criteria provided. Collection method: clinical testing. Allele origin: germline. Not counted in ClinVar's aggregate classification.
Comment: This variant is classified as likely benign based on ACMG/AMP sequence variant interpretation guidelines (Richards et al. 2015 PMID: 25741868, with internal and published modifications).

NM_016417.3(GLRX5):c.-6G>A

Gene: GLRX5 (glutaredoxin 5; plus strand). Cytogenetic location: 14q32.13.
Variant type: single nucleotide variant.
Coding change: c.-6G>A on transcript NM_016417.3 (MANE Select); 6 bases upstream of the start codon, G replaced by A.
Molecular consequence: 5 prime UTR variant.
Genome position (GRCh38, 1-based): chr14:95,535,084, G>A. VCF-style: chr14-95535084-G-A. GRCh37 (hg19) VCF-style: chr14-96001421-G-A.
Other names: c.-6G>A (NM_016417.2).
Identifiers: ClinVar variation 2662649 (VCV002662649.4), dbSNP rs761743525, ClinGen allele CA7333872.
Genomic context (GRCh38, chr14:95,535,084, plus strand): 5'-CCGGGGAGCGCTCTGGGTGGCCAGCTGTGGGCCCGGGCCGTCGTGGGCTCCGGCTTGCGT[G>A]CGGAGATGAGCGGGTCCCTCGGCCGAGCTGCGGCGGCTCTGCTCCGCTGGGGGCGCGGCG-3'